The following is an entry in ClinVar:

ClinVar aggregate classification (germline): Conflicting classifications of pathogenicity. Review status: criteria provided, conflicting classifications (1 of 4 stars). 7 submissions from 6 submitters: Uncertain significance (1); Benign (1); Likely benign (5). Last evaluated 2026-01-17.

Conditions:
Stickler syndrome type 1 (STL1). Also called: ARTHROOPHTHALMOPATHY, HEREDITARY PROGRESSIVE; STICKLER SYNDROME, MEMBRANOUS VITREOUS TYPE; STICKLER SYNDROME, VITREOUS TYPE 1; COL2A1-Related Stickler Syndrome. Identifiers: Orphanet 828, Orphanet 90653, MedGen C2020284, MONDO:0007160, OMIM 108300.
Connective tissue disorder. Also called: Connective tissue disease. Identifiers: MedGen C0009782, MONDO:0003900.
Type 2 collagenopathy. Identifiers: Orphanet 93421, MedGen C2931073, MONDO:0022800.

Allele frequency attached by ClinVar (database versions not stated): 1000 Genomes Project 0.00020; 1000 Genomes Project 30x 0.00031; ESP Exome Variant Server 0.00046; TOPMed 0.00051; gnomAD 0.00055 and 0.00056; gnomAD exomes 0.00063; ExAC 0.00064.
gnomAD v4.1: 765 of 1,614,150 alleles (0.047%); highest among the groups gnomAD compares: Non-Finnish European, 0.052%; 1 homozygote.

Submissions (7):

Labcorp Genetics (formerly Invitae), Labcorp
Classification: Likely benign. Last evaluated: 2026-01-17. Review status: criteria provided, single submitter. Criteria: Invitae Variant Classification Sherloc (09022015). Collection method: clinical testing. Allele origin: germline.

CeGaT Center for Human Genetics Tuebingen
Classification: Likely benign. Last evaluated: 2025-11-01. Review status: criteria provided, single submitter. Criteria: CeGaT Center For Human Genetics Tuebingen Variant Classification Criteria Version 2. Collection method: clinical testing. Allele origin: germline. Affected: yes. Observed: 1 variant allele.
Comment: COL2A1: BS2

Blueprint Genetics
Classification: Likely benign. Last evaluated: 2024-11-18. Review status: criteria provided, single submitter. Criteria: ACMG Guidelines, 2015. Collection method: clinical testing. Allele origin: germline.

GeneDx
Classification: Likely benign. Last evaluated: 2021-09-20. Review status: criteria provided, single submitter. Criteria: GeneDx Variant Classification Process June 2021. Collection method: clinical testing. Allele origin: germline. Affected: yes.

Illumina Laboratory Services, Illumina
Classification: Benign for Type II Collagenopathies. Last evaluated: 2018-01-13. Review status: criteria provided, single submitter. Criteria: ICSL Variant Classification Criteria 13 December 2019. Collection method: clinical testing. Allele origin: germline.
Comment: This variant was observed in the ICSL laboratory as part of a predisposition screen in an ostensibly healthy population. It had not been previously curated by ICSL or reported in the Human Gene Mutation Database (HGMD: prior to June 1st, 2018), and was therefore a candidate for classification through an automated scoring system. Utilizing variant allele frequency, disease prevalence and penetrance estimates, and inheritance mode, an automated score was calculated to assess if this variant is too frequent to cause the disease. Based on the score and internal cut-off values, a variant classified as benign is not then subjected to further curation. The score for this variant resulted in a classification of benign for this disease.

Illumina Laboratory Services, Illumina
Classification: Uncertain significance for Stickler syndrome type 1. Last evaluated: 2018-01-13. Review status: criteria provided, single submitter. Criteria: ICSL Variant Classification Criteria 13 December 2019. Collection method: clinical testing. Allele origin: germline.

Center for Human Genetics, Inc
Classification: Likely benign for Connective tissue disorder. Last evaluated: 2016-11-01. Review status: criteria provided, single submitter. Criteria: ACMG Guidelines, 2015. Collection method: clinical testing. Allele origin: germline. Affected: yes.

NM_001844.5(COL2A1):c.1366-13C>A

Gene: COL2A1 (collagen type II alpha 1 chain; minus strand). Cytogenetic location: 12q13.11.
Variant type: single nucleotide variant.
Coding change: c.1366-13C>A on transcript NM_001844.5 (MANE Select); 13 bases into the intron before coding-DNA position 1366, C replaced by A.
Molecular consequence: intron variant.
Genome position (GRCh38, 1-based): chr12:47,986,901, G>T on the plus strand (C>A on the coding strand, the complement: COL2A1 is on the minus strand). VCF-style: chr12-47986901-G-T. GRCh37 (hg19) VCF-style: chr12-48380684-G-T.
Other names: c.1159-13C>A (NM_033150.3).
Identifiers: ClinVar variation 308927 (VCV000308927.23), dbSNP rs200984998, ClinGen allele CA6535495.